The following is an entry in ClinVar:

NM_020928.2(ZSWIM6):c.946A>G (p.Thr316Ala)

Gene: ZSWIM6 (zinc finger SWIM-type containing 6; plus strand). Cytogenetic location: 5q12.1.
Variant type: single nucleotide variant.
Coding change: c.946A>G on transcript NM_020928.2 (MANE Select); coding-DNA position 946, A replaced by G.
Protein change: p.Thr316Ala; replaces threonine 316 with alanine.
Molecular consequence: missense variant.
Genome position (GRCh38, 1-based): chr5:61,472,950, A>G. VCF-style: chr5-61472950-A-G. GRCh37 (hg19) VCF-style: chr5-60768777-A-G.
Other names: short protein forms T316A.
Identifiers: ClinVar variation 4531996 (VCV004531996.1).

ClinVar aggregate classification (germline): Uncertain significance (1 of 4 stars; one submission).

Conditions:
Neurodevelopmental disorder with movement abnormalities, abnormal gait, and autistic features. Identifiers: MedGen C4693405, MONDO:0060642, OMIM 617865.

Submission:

Victorian Clinical Genetics Services, Murdoch Childrens Research Institute
Classification: Uncertain significance for Neurodevelopmental disorder with movement abnormalities, abnormal gait, and autistic features. Last evaluated: 2024-10-09. Review status: criteria provided, single submitter. Criteria: ACMG Guidelines, 2015. Collection method: clinical testing. Allele origin: germline. Affected: yes.
Comment: This variant is classified as VUS-3C. Evidence in support of pathogenic classification: Variant is absent from gnomAD (v2, v3 and v4). Evidence in support of benign classification: Missense variant predicted to be tolerated by an in silico tool or not conserved in placental mammals with a minor amino acid change. Additional information: Variant is predicted to result in a missense amino acid change from threonine to alanine; This variant is heterozygous; This gene is associated with autosomal dominant disease; This variant has no previous evidence of pathogenicity; No published segregation evidence has been identified for this variant; No published functional evidence has been identified for this variant; No comparable missense variants have previous evidence for pathogenicity; Variant is not located in an established domain, motif, hotspot or informative constraint region; The mechanism of disease for this gene is not clearly established; Inheritance information for this variant is not currently available in this individual.